The following is an entry in ClinVar:

ClinVar aggregate classification (germline): Uncertain significance (1 of 4 stars; one submission).

Allele frequency attached by ClinVar (database versions not stated): gnomAD exomes below 0.00001; TOPMed below 0.00001.
gnomAD v4.1: 2 of 1,210,960 alleles (0.00017%); highest among the groups gnomAD compares: Non-Finnish European, 0.00011%; no homozygotes.

Submission:

GeneDx
Classification: Uncertain significance. Last evaluated: 2024-08-29. Review status: criteria provided, single submitter. Criteria: GeneDx Variant Classification Process June 2021. Collection method: clinical testing. Allele origin: germline. Affected: yes.
Comment: Not observed at significant frequency in large population cohorts (gnomAD); In silico analysis supports that this missense variant does not alter protein structure/function; Has not been previously published as pathogenic or benign to our knowledge

NM_012310.5(KIF4A):c.1564A>G (p.Met522Val)

Gene: KIF4A (kinesin family member 4A; plus strand). Cytogenetic location: Xq13.1.
Variant type: single nucleotide variant.
Coding change: c.1564A>G on transcript NM_012310.5 (MANE Select); coding-DNA position 1564, A replaced by G.
Protein change: p.Met522Val; replaces methionine 522 with valine.
Molecular consequence: missense variant.
Genome position (GRCh38, 1-based): chrX:70,353,697, A>G. VCF-style: chrX-70353697-A-G. GRCh37 (hg19) VCF-style: chrX-69573547-A-G.
Other names: short protein forms M522V.
Identifiers: ClinVar variation 2505667 (VCV002505667.2), dbSNP rs2086040275, ClinGen allele CA413474883.